The following is an entry in ClinVar:

NM_052874.5(STX1B):c.464-1G>T

Gene: STX1B (syntaxin 1B; minus strand). Cytogenetic location: 16p11.2.
Variant type: single nucleotide variant.
Coding change: c.464-1G>T on transcript NM_052874.5 (MANE Select); the canonical splice acceptor site of the intron before coding-DNA position 464, G replaced by T.
Molecular consequence: splice acceptor variant.
Genome position (GRCh38, 1-based): chr16:30,996,757, C>A on the plus strand (G>T on the coding strand, the complement: STX1B is on the minus strand). VCF-style: chr16-30996757-C-A. GRCh37 (hg19) VCF-style: chr16-31008078-C-A.
Identifiers: ClinVar variation 3648274 (VCV003648274.2).

ClinVar aggregate classification (germline): Likely pathogenic (1 of 4 stars; one submission).

Conditions:
Generalized epilepsy with febrile seizures plus, type 9 (GEFSP9). Also called: GEFS+, TYPE 9. Identifiers: Orphanet 36387, MedGen C4015395, MONDO:0014517, OMIM 616172.

Submission:

Labcorp Genetics (formerly Invitae), Labcorp
Classification: Likely pathogenic for Generalized epilepsy with febrile seizures plus, type 9. Last evaluated: 2024-04-09. Review status: criteria provided, single submitter. Criteria: Invitae Variant Classification Sherloc (09022015). Collection method: clinical testing. Allele origin: germline.
Comment: This sequence change affects an acceptor splice site in intron 6 of the STX1B gene. It is expected to disrupt RNA splicing. Variants that disrupt the donor or acceptor splice site typically lead to a loss of protein function (PMID: 16199547), and loss-of-function variants in STX1B are known to be pathogenic (PMID: 25362483). This variant is not present in population databases (gnomAD no frequency). This variant has not been reported in the literature in individuals affected with STX1B-related conditions. Algorithms developed to predict the effect of sequence changes on RNA splicing suggest that this variant may disrupt the consensus splice site. In summary, the currently available evidence indicates that the variant is pathogenic, but additional data are needed to prove that conclusively. Therefore, this variant has been classified as Likely Pathogenic.

Literature cited by the submitters: PubMed 16199547; PubMed 25362483.